The following is an entry in ClinVar:

ClinVar aggregate classification (germline): Pathogenic. Review status: criteria provided, multiple submitters, no conflicts (2 of 4 stars). 2 submissions from 2 submitters: Pathogenic (2). Last evaluated 2022-09-17.

Conditions:
Polycystic kidney disease 4 (PKD4). Also called: POLYCYSTIC KIDNEY AND HEPATIC DISEASE 1; POLYCYSTIC KIDNEY DISEASE, INFANTILE, TYPE I; PKD3; POLYCYSTIC KIDNEY DISEASE 4 WITH OR WITHOUT POLYCYSTIC LIVER DISEASE; Autosomal Recessive Polycystic Kidney Disease – PKHD1. Identifiers: MedGen C4540575, MONDO:0033004, OMIM 263200.

Submissions (2):

Baylor Genetics
Classification: Pathogenic for Polycystic kidney disease 4. Last evaluated: 2022-09-17. Review status: criteria provided, single submitter. Criteria: ACMG Guidelines, 2015. Collection method: clinical testing. Allele origin: unknown.

Juno Genomics, Hangzhou Juno Genomics, Inc
Classification: Pathogenic for Polycystic kidney disease 4. Review status: criteria provided, single submitter. Criteria: ACMG Guidelines, 2015. Collection method: clinical testing. Allele origin: germline.
Comment: Absent from controls (or at extremely low frequency if recessive) in Genome Aggregation Database.;Null variant in a gene where loss of function (LOF) is a known mechanism of disease.;For recessive disorders, detected in trans with a pathogenic variant.

NM_138694.4(PKHD1):c.9455del (p.Asn3152fs)

Gene: PKHD1 (PKHD1 ciliary IPT domain containing fibrocystin/polyductin; minus strand). Cytogenetic location: 6p12.3.
Variant type: Deletion.
Coding change: c.9455del on transcript NM_138694.4 (MANE Select); coding-DNA position 9455, one base deleted (A; older notation c.9455delA).
Protein change: p.Asn3152fs; shifts the reading frame from asparagine 3152.
Molecular consequence: frameshift variant.
Genome position (GRCh38, 1-based): chr6:51,748,161, T deleted on the plus strand (A on the coding strand, the reverse complement: PKHD1 is on the minus strand); the first of 2 consecutive T bases (chr6:51,748,161-51,748,162); deleting either gives the same sequence. VCF-style (leftmost placement, unchanged base first): chr6-51748160-GT-G. GRCh37 (hg19) VCF-style: chr6-51612958-GT-G.
Other names: c.9455del, p.Asn3152fs (NM_170724.3); short protein forms N3152fs.
Identifiers: ClinVar variation 2677861 (VCV002677861.3), dbSNP rs2533815333, ClinGen allele CA2695198858.
Genomic context (GRCh38, chr6:51,748,160, plus strand): 5'-CAGAGTAATGTTCTCTATCTCCACGCTGTTCTCTACATGTAACATGGCACCATAGTCAAA[GT>G]TCTTGAAAGCCAAGAAGCCAGAGATTCTGGTACAGTTGTCAAGTCCACTTTCCTTATAGA-3'